The following is an entry in ClinVar:

ClinVar aggregate classification (germline): Uncertain significance. Review status: criteria provided, multiple submitters, no conflicts (2 of 4 stars). 2 submissions from 2 submitters: Uncertain significance (2). Last evaluated 2024-11-11.

Conditions:
5-Oxoprolinase deficiency (OPLAHD). Also called: 5-OXOPROLINURIA DUE TO 5-OXOPROLINASE DEFICIENCY. Identifiers: Orphanet 33572, MedGen C0268525, MONDO:0009825, OMIM 260005, HP:0040142.

Allele frequency attached by ClinVar (database versions not stated): gnomAD 0.00001; gnomAD exomes 0.00003 and 0.00008; TOPMed 0.00005; ESP Exome Variant Server 0.00008; ExAC 0.00013.
gnomAD v4.1: 40 of 1,587,382 alleles (0.0025%); highest among the groups gnomAD compares: East Asian, 0.063%; no homozygotes.

Submissions (2):

Labcorp Genetics (formerly Invitae), Labcorp
Classification: Uncertain significance for 5-Oxoprolinase deficiency. Last evaluated: 2024-11-11. Review status: criteria provided, single submitter. Criteria: Invitae Variant Classification Sherloc (09022015). Collection method: clinical testing. Allele origin: germline.
Comment: This sequence change replaces alanine, which is neutral and non-polar, with valine, which is neutral and non-polar, at codon 422 of the OPLAH protein (p.Ala422Val). The frequency data for this variant in the population databases is considered unreliable, as metrics indicate poor data quality at this position in the gnomAD database. This variant has not been reported in the literature in individuals affected with OPLAH-related conditions. ClinVar contains an entry for this variant (Variation ID: 1419530). An algorithm developed to predict the effect of missense changes on protein structure and function (PolyPhen-2) suggests that this variant¬†is likely to be tolerated. In summary, the available evidence is currently insufficient to determine the role of this variant in disease. Therefore, it has been classified as a Variant of Uncertain Significance.

Fulgent Genetics
Classification: Uncertain significance for 5-Oxoprolinase deficiency. Last evaluated: 2022-02-17. Review status: criteria provided, single submitter. Criteria: ACMG Guidelines, 2015. Collection method: clinical testing. Allele origin: unknown.

NM_017570.5(OPLAH):c.1265C>T (p.Ala422Val)

Gene: OPLAH (5-oxoprolinase, ATP-hydrolysing; minus strand). Cytogenetic location: 8q24.3.
Variant type: single nucleotide variant.
Coding change: c.1265C>T on transcript NM_017570.5 (MANE Select); coding-DNA position 1265, C replaced by T.
Protein change: p.Ala422Val; replaces alanine 422 with valine.
Molecular consequence: missense variant.
Genome position (GRCh38, 1-based): chr8:144,057,605, G>A on the plus strand (C>T on the coding strand, the complement: OPLAH is on the minus strand). VCF-style: chr8-144057605-G-A. GRCh37 (hg19) VCF-style: chr8-145112508-G-A.
Other names: short protein forms A422V.
Identifiers: ClinVar variation 1419530 (VCV001419530.5), dbSNP rs375526531, ClinGen allele CA4931937.
Genomic context (GRCh38, chr8:144,057,605, plus strand): 5'-GGCCCGTTGGTCAGGAAGCTGTTGACCTCAGTGGCCACAGCCTCCAGGGCTTTGCGGGAG[G>A]CCTCAGGGGAAAGTGGTTGGTTCTCTCCCGGCCCAAAAATGCAGGGGAAGGAGGCAGGCA-3'
Protein context (NP_060040.1, residues 412-432): PGENQPLSPE[Ala422Val]SRKALEAVAT